The following is an entry in ClinVar:

ClinVar aggregate classification (germline): Likely pathogenic. Review status: criteria provided, multiple submitters, no conflicts (2 of 4 stars). 2 submissions from 2 submitters: Likely pathogenic (2). Last evaluated 2020-07-15.

Conditions:
Epilepsy with generalized tonic-clonic seizures. Also called: Tonic-clonic epilepsy. Identifiers: Orphanet 698005, MedGen C0014549, MeSH D004830, MONDO:0005754.
Unilateral Hypotonia. Identifiers: MedGen C0751330, MeSH D009123.
Intellectual disability. Also called: Intellectual functioning disability; Intellectual developmental disorder; intellectual disabilities. Identifiers: MedGen C3714756, MeSH D008607, MONDO:0001071, HP:0001249.
Focal epilepsy. Also called: partial epilepsy. Identifiers: MedGen C0014547, MeSH D004828, MONDO:0005384.
Developmental and epileptic encephalopathy. Identifiers: MedGen C5779964, MONDO:0100620.

Submissions (2):

Institute of Human Genetics, University of Leipzig Medical Center
Classification: Likely pathogenic for Early-infantile DEE. Last evaluated: 2020-07-15. Review status: criteria provided, single submitter. Criteria: ACMG Guidelines, 2015. Collection method: clinical testing. Allele origin: de novo. Affected: yes.
Comment: This variant was identified as de novo (maternity and paternity confirmed).

Ambry Genetics
Classification: Likely pathogenic for Epilepsy with generalized tonic-clonic seizures; Focal epilepsy; Intellectual disability; Unilateral Hypotonia. Last evaluated: 2014-06-05. Review status: criteria provided, single submitter. Criteria: Ambry exome assertion method (8-5-2015). Collection method: clinical testing. Allele origin: germline. Affected: yes. Observed: 1 variant allele.

Literature cited by the submitters: PubMed 33299146 (cited by Institute of Human Genetics, University of Leipzig Medical Center).

NM_130811.4(SNAP25):c.142G>T (p.Val48Phe)

Gene: SNAP25 (synaptosome associated protein 25; plus strand). Cytogenetic location: 20p12.2.
Variant type: single nucleotide variant.
Coding change: c.142G>T on transcript NM_130811.4 (MANE Select); coding-DNA position 142, G replaced by T.
Protein change: p.Val48Phe; replaces valine 48 with phenylalanine.
Molecular consequence: missense variant.
Genome position (GRCh38, 1-based): chr20:10,284,751, G>T. VCF-style: chr20-10284751-G-T. GRCh37 (hg19) VCF-style: chr20-10265399-G-T.
Other names: c.142G>T, p.Val48Phe (NM_001322902.2, NM_001322903.2, NM_001322904.2 and 7 more transcripts); short protein forms V48F.
Identifiers: ClinVar variation 208672 (VCV000208672.10), dbSNP rs797044873, ClinGen allele CA204648.